The following is an entry in ClinVar:

ClinVar aggregate classification (germline): Likely pathogenic. Review status: criteria provided, multiple submitters, no conflicts (2 of 4 stars). 4 submissions from 4 submitters: Likely pathogenic (3). 1 of the submissions does not count toward it. Last evaluated 2024-04-11.

Conditions:
TGFBR1-related disorder. Also called: TGFBR1-related condition.
Loeys-Dietz syndrome (LDS). Identifiers: Orphanet 60030, MedGen C2697932, MONDO:0018954.
Familial thoracic aortic aneurysm and aortic dissection (TAAD). Also called: Thoracic aortic aneurysms and dissections. Identifiers: Orphanet 91387, MedGen C4707243, MONDO:0019625.

Submissions (4):

Molecular Genetics, Royal Melbourne Hospital
Classification: Likely pathogenic for Loeys-Dietz syndrome. Last evaluated: 2024-04-11. Review status: criteria provided, single submitter. Criteria: ACMG Guidelines, 2015. Collection method: clinical testing. Allele origin: germline. Inheritance: Autosomal dominant inheritance. Affected: yes.
Comment: This sequence change in TGFBR1 occurs within the canonical splice donor site of intron 5. RT-PCR assays on patient cells and mini-gene assays demonstrated loss of the exon 5 donor site resulting in two in-frame splicing events within the serine-threonine kinase domain; exon 5 skipping and cryptic donor activation leading to a 9 bp deletion (r.[806_973del, 965_973del] p.[Asp269_Gln324del, Thr323_Gly325del]; PMID: 29706644). This variant is absent from the population database gnomAD v2.1 and v3.1. This variant has been reported in at least two probands with phenotypes consistent with TGFBR1-related aortopathy (PMID: 29706644; Royal Melbourne Hospital). The variant has been reported to segregate in three affected family members from a single family (PMID: 29706644). An in vitro assay in HEK293T cells showed a reduction in luciferase activity due to the complete deletion of exon 5 and the 9 bp deletion, suggestive of reduced TGFBR1 protein activity. This finding suggests that this variant impacts protein function (PMID: 29706644). Based on the classification scheme RMH Modified ACMG/AMP Guidelines v1.6.1, this variant is classified as LIKELY PATHOGENIC. Following criteria are met: PVS1_Moderate, PM2_Supporting, PP1, PS3_Supporting, PS4_Supporting

Blueprint Genetics
Classification: Likely pathogenic for TGFBR1-related disorders. Last evaluated: 2024-02-14. Review status: criteria provided, single submitter. Criteria: ACMG Guidelines, 2015. Collection method: clinical testing. Allele origin: germline. Affected: yes. Observed: 3 variant alleles.

CHEO Genetics Diagnostic Laboratory, Children's Hospital of Eastern Ontario
Classification: Likely pathogenic for Familial thoracic aortic aneurysm and aortic dissection. Last evaluated: 2019-02-26. Review status: criteria provided, single submitter. Criteria: ACMG Guidelines, 2015. Collection method: clinical testing. Allele origin: germline.

GeneDx
Classification: Uncertain significance. Last evaluated: 2017-05-25. Review status: flagged submission. Criteria: GeneDx Variant Classification (06012015). Collection method: clinical testing. Allele origin: germline. Affected: yes. Not counted in ClinVar's aggregate classification.
Comment: The c.973+1 G>A splice site variant has not been reported as a pathogenic variant or as a benign polymorphism to our knowledge. This variant was not observed in approximately 6500 individuals of European and African American ancestry in the NHLBI Exome Sequencing Project, indicating it is not a common benign variant in these populations. The c.973+1 G>A variant destroys the canonical splice donor site in intron 5 and is likely to result in aberrant splicing. In the absence of functional/mRNA studies, however, the in-vitro consequence of this variant cannot be precisely determined. Therefore, based on the currently available information, it is unclear whether this variant is a pathogenic variant or a rare benign variant.
ClinVar note: Reason: Older claim that does not account for recent evidence

Literature cited by the submitters: PubMed 29706644 (cited by Molecular Genetics, Royal Melbourne Hospital).

NM_004612.4(TGFBR1):c.973+1G>A

Gene: TGFBR1 (transforming growth factor beta receptor 1; plus strand). Cytogenetic location: 9q22.33.
Variant type: single nucleotide variant.
Coding change: c.973+1G>A on transcript NM_004612.4 (MANE Select); the canonical splice donor site of the intron after coding-DNA position 973, G replaced by A.
Molecular consequence: splice donor variant. On other transcripts: intron variant (2).
Genome position (GRCh38, 1-based): chr9:99,142,704, G>A. VCF-style: chr9-99142704-G-A. GRCh37 (hg19) VCF-style: chr9-101904986-G-A.
Other names: c.778+1G>A (NM_001407418.1, NM_001407419.1, NM_001407422.1 and 1 more transcripts); c.766+1G>A (NM_001407423.1, NM_001407424.1, NM_001407425.1 and 8 more transcripts); c.985+1G>A (NM_001306210.2); c.818-2028G>A (NM_001407416.1); c.806-2028G>A (NM_001407417.1); c.742+1G>A (NM_001407435.1, NM_001130916.3); c.727+1G>A (NM_001407436.1); c.496+1G>A (NM_001407438.1); and 1 more.
Identifiers: ClinVar variation 213883 (VCV000213883.6), dbSNP rs863223818, ClinGen allele CA320416.